The following is an entry in ClinVar:

ClinVar aggregate classification (germline): Likely pathogenic. Review status: criteria provided, multiple submitters, no conflicts (2 of 4 stars). 4 submissions from 3 submitters: Likely pathogenic (4). Last evaluated 2023-09-29.

Conditions:
Neu-Laxova syndrome 1 (NLS1). Identifiers: Orphanet 2671, Orphanet 583607, MedGen C4551478, MONDO:0009736, OMIM 256520. Disease mechanism: loss of function.
PHGDH deficiency. Identifiers: Orphanet 79351, MedGen C1866174, MONDO:0011152, OMIM 601815.

Allele frequency attached by ClinVar (database versions not stated): gnomAD exomes 0.00001.
gnomAD v4.1: 10 of 1,613,092 alleles (0.00062%); highest among the groups gnomAD compares: Non-Finnish European, 0.00085%; no homozygotes.

Submissions (4):

Labcorp Genetics (formerly Invitae), Labcorp
Classification: Likely pathogenic for PHGDH deficiency. Last evaluated: 2023-09-29. Review status: criteria provided, single submitter. Criteria: Invitae Variant Classification Sherloc (09022015). Collection method: clinical testing. Allele origin: germline.
Comment: In summary, the currently available evidence indicates that the variant is pathogenic, but additional data are needed to prove that conclusively. Therefore, this variant has been classified as Likely Pathogenic. Algorithms developed to predict the effect of sequence changes on RNA splicing suggest that this variant may disrupt the consensus splice site. ClinVar contains an entry for this variant (Variation ID: 964779). This variant has not been reported in the literature in individuals affected with PHGDH-related conditions. This variant is not present in population databases (gnomAD no frequency). This sequence change affects an acceptor splice site in intron 4 of the PHGDH gene. It is expected to disrupt RNA splicing. Variants that disrupt the donor or acceptor splice site typically lead to a loss of protein function (PMID: 16199547), and loss-of-function variants in PHGDH are known to be pathogenic (PMID: 14645240, 24836451).

Genome-Nilou Lab
Classification: Likely pathogenic for Neu-Laxova syndrome 1. Last evaluated: 2023-04-11. Review status: criteria provided, single submitter. Criteria: ACMG Guidelines, 2015. Collection method: clinical testing. Allele origin: germline. Affected: no.

Genome-Nilou Lab
Classification: Likely pathogenic for PHGDH deficiency. Last evaluated: 2023-04-11. Review status: criteria provided, single submitter. Criteria: ACMG Guidelines, 2015. Collection method: clinical testing. Allele origin: germline. Affected: no.

Women's Health and Genetics/Laboratory Corporation of America, LabCorp
Classification: Likely pathogenic for PHGDH deficiency. Last evaluated: 2023-03-06. Review status: criteria provided, single submitter. Criteria: LabCorp Variant Classification Summary - May 2015. Collection method: clinical testing. Allele origin: germline.
Comment: Variant summary: PHGDH c.412-1G>C is located in a canonical splice-site and is predicted to affect mRNA splicing resulting in a significantly altered protein due to either exon skipping, shortening, or inclusion of intronic material. Several computational tools predict a significant impact on normal splicing: Four predict the variant abolishes a 3' acceptor site. However, these predictions have yet to be confirmed by functional studies. The variant was absent in 251476 control chromosomes (gnomAD). To our knowledge, no occurrence of c.412-1G>C in individuals affected with Phosphoglycerate Dehydrogenase Deficiency and no experimental evidence demonstrating its impact on protein function have been reported. One clinical diagnostic laboratory has submitted clinical-significance assessments for this variant to ClinVar after 2014, and classified the variant as likely pathogenic. Based on the evidence outlined above, the variant was classified as likely pathogenic.

Literature cited by the submitters: PubMed 16199547 (cited by Labcorp Genetics (formerly Invitae), Labcorp); PubMed 14645240 (cited by Labcorp Genetics (formerly Invitae), Labcorp); PubMed 24836451 (cited by Labcorp Genetics (formerly Invitae), Labcorp).

NM_006623.4(PHGDH):c.412-1G>C

Gene: PHGDH (phosphoglycerate dehydrogenase; plus strand). Cytogenetic location: 1p12.
Variant type: single nucleotide variant.
Coding change: c.412-1G>C on transcript NM_006623.4 (MANE Select); the canonical splice acceptor site of the intron before coding-DNA position 412, G replaced by C.
Molecular consequence: splice acceptor variant.
Genome position (GRCh38, 1-based): chr1:119,727,003, G>C. VCF-style: chr1-119727003-G-C. GRCh37 (hg19) VCF-style: chr1-120269626-G-C.
Identifiers: ClinVar variation 964779 (VCV000964779.9), dbSNP rs1651455730, ClinGen allele CA341847654.
Genomic context (GRCh38, chr1:119,727,003, plus strand): 5'-GGCCCGGGGTCCACTCATGTTGCTGACTTCAGCTTCTTTCCTTTTGCCTGTTTGGTTGCA[G>C]TTCATGGGAACAGAGCTGAATGGAAAGACCCTGGGAATTCTTGGCCTGGGCAGGATTGGG-3'